The following is an entry in ClinVar:

NM_000551.4(VHL):c.295C>G (p.Pro99Ala)

Gene: VHL (von Hippel-Lindau tumor suppressor; plus strand). Cytogenetic location: 3p25.3.
Variant type: single nucleotide variant.
Coding change: c.295C>G on transcript NM_000551.4 (MANE Select); coding-DNA position 295, C replaced by G.
Protein change: p.Pro99Ala; replaces proline 99 with alanine.
Molecular consequence: missense variant.
Genome position (GRCh38, 1-based): chr3:10,142,142, C>G. VCF-style: chr3-10142142-C-G. GRCh37 (hg19) VCF-style: chr3-10183826-C-G.
Other names: c.295C>G, p.Pro99Ala (NM_001354723.2, NM_198156.3); short protein forms P99A.
Identifiers: ClinVar variation 1037470 (VCV001037470.9), dbSNP rs549807529, ClinGen allele CA040169.
Genomic context (GRCh38, chr3:10,142,142, plus strand): 5'-CGCAGTCCGCGCGTCGTGCTGCCCGTATGGCTCAACTTCGACGGCGAGCCGCAGCCCTAC[C>G]CAACGCTGCCGCCTGGCACGGGCCGCCGCATCCACAGCTACCGAGGTACGGGCCCGGCGC-3'
Protein context (NP_000542.1, residues 89-109): LNFDGEPQPY[Pro99Ala]TLPPGTGRRI

ClinVar aggregate classification (germline): Uncertain significance (1 of 4 stars; one submission).

Conditions:
Chuvash polycythemia. Also called: POLYCYTHEMIA, VHL-DEPENDENT. Identifiers: Orphanet 238557, MedGen C1837915, MONDO:0009892, OMIM 263400.
Von Hippel-Lindau syndrome (VHLS). Also called: Von Hippel-Lindau; VHL syndrome; von Hippel–Lindau syndrome. Identifiers: Orphanet 892, MedGen C0019562, MONDO:0008667, OMIM 193300. Disease mechanism: loss of function.

Allele frequency attached by ClinVar (database versions not stated): gnomAD exomes below 0.00001 and 0.00001; ExAC 0.00001.

Submission:

Labcorp Genetics (formerly Invitae), Labcorp
Classification: Uncertain significance for Von Hippel-Lindau syndrome; Chuvash polycythemia. Last evaluated: 2025-05-09. Review status: criteria provided, single submitter. Criteria: Invitae Variant Classification Sherloc (09022015). Collection method: clinical testing. Allele origin: germline.
Comment: This sequence change replaces proline, which is neutral and non-polar, with alanine, which is neutral and non-polar, at codon 99 of the VHL protein (p.Pro99Ala). This variant is present in population databases (rs549807529, gnomAD 0.003%). This variant has not been reported in the literature in individuals affected with VHL-related conditions. ClinVar contains an entry for this variant (Variation ID: 1037470). Invitae Evidence Modeling of protein sequence and biophysical properties (such as structural, functional, and spatial information, amino acid conservation, physicochemical variation, residue mobility, and thermodynamic stability) indicates that this missense variant is expected to disrupt VHL protein function with a positive predictive value of 95%. In summary, the available evidence is currently insufficient to determine the role of this variant in disease. Therefore, it has been classified as a Variant of Uncertain Significance.